The following is an entry in ClinVar:

NM_001953.5(TYMP):c.605G>C (p.Arg202Thr)

Gene: TYMP (thymidine phosphorylase; minus strand). Cytogenetic location: 22q13.33.
Variant type: single nucleotide variant.
Coding change: c.605G>C on transcript NM_001953.5 (MANE Select); coding-DNA position 605, G replaced by C.
Protein change: p.Arg202Thr; replaces arginine 202 with threonine.
Molecular consequence: missense variant.
Genome position (GRCh38, 1-based): chr22:50,527,629, C>G on the plus strand (G>C on the coding strand, the complement: TYMP is on the minus strand). VCF-style: chr22-50527629-C-G. GRCh37 (hg19) VCF-style: chr22-50966058-C-G.
Other names: Arg>Thr; c.605G>C (NM_001953.3); c.605G>C, p.Arg202Thr (LRG_727t2, LRG_727t1, NM_001113755.3 and 3 more transcripts); short protein forms R202T.
Identifiers: ClinVar variation 16665 (VCV000016665.2), dbSNP rs121913041, ClinGen allele CA126797.

ClinVar aggregate classification (germline): Likely pathogenic. Review status: criteria provided, single submitter (1 of 4 stars). 3 submissions from 3 submitters: Likely pathogenic (1). 2 of the submissions do not count toward it. Last evaluated 2022-11-18.

Conditions:
Mitochondrial DNA depletion syndrome 1. Also called: POLIP SYNDROME; POLYNEUROPATHY, OPHTHALMOPLEGIA, LEUKOENCEPHALOPATHY, AND INTESTINAL PSEUDOOBSTRUCTION; Mitochondrial neurogastrointestinal encephalomyopathy syndrome; Mitochondrial DNA depletion syndrome 1 (MNGIE type); Mitochondrial Neurogastrointestinal Encephalopathy Disease; MITOCHONDRIAL NEUROGASTROINTESTINAL ENCEPHALOPATHY SYNDROME, TYMP-RELATED. Identifiers: Orphanet 298, MedGen C4551995, MONDO:0011283, OMIM 603041.

Submissions (3):

GeneDx
Classification: Likely pathogenic. Last evaluated: 2022-11-18. Review status: criteria provided, single submitter. Criteria: GeneDx Variant Classification Process June 2021. Collection method: clinical testing. Allele origin: germline. Affected: yes.
Comment: Not observed at significant frequency in large population cohorts (gnomAD); In silico analysis supports that this missense variant has a deleterious effect on protein structure/function; This variant is associated with the following publications: (PMID: 16178026)

GeneReviews
Classification: Pathogenic for Mitochondrial DNA depletion syndrome 1. Last evaluated: 2016-01-14. Review status: no assertion criteria provided. Collection method: literature only. Allele origin: germline. Affected: yes. Not counted in ClinVar's aggregate classification.

OMIM
Classification: Pathogenic for MITOCHONDRIAL DNA DEPLETION SYNDROME 1 (MNGIE TYPE). Last evaluated: 2005-10-01. Review status: no assertion criteria provided. Collection method: literature only. Allele origin: germline. Not counted in ClinVar's aggregate classification.

Literature cited by the submitters: PubMed 16178026 (cited by GeneReviews and OMIM).